The following is an entry in ClinVar:

NM_148919.4(PSMB8):c.694A>C (p.Ile232Leu)

Gene: PSMB8 (proteasome 20S subunit beta 8; minus strand). Cytogenetic location: 6p21.32.
Variant type: single nucleotide variant.
Coding change: c.694A>C on transcript NM_148919.4 (MANE Select); coding-DNA position 694, A replaced by C.
Protein change: p.Ile232Leu; replaces isoleucine 232 with leucine.
Molecular consequence: missense variant.
Genome position (GRCh38, 1-based): chr6:32,841,579, T>G on the plus strand (A>C on the coding strand, the complement: PSMB8 is on the minus strand). VCF-style: chr6-32841579-T-G. GRCh37 (hg19) VCF-style: chr6-32809356-T-G.
Other names: c.682A>C, p.Ile228Leu (NM_004159.5); short protein forms I228L, I232L.
Identifiers: ClinVar variation 2062078 (VCV002062078.4), dbSNP rs2127376160, ClinGen allele CA363588414.
Genomic context (GRCh38, chr6:32,841,579, plus strand): 5'-TTGGTCTCTTACTATTGACAACGCCTCCAGAATAGCTGTCTCTGTGAGTGGCATAAGCAA[T>G]AGCCCTGCGGCCAAGGTCATAGGCCTCTTCAGGGCTAAGATTAGGCCGATAGCCACTGTC-3'
Protein context (NP_683720.2, residues 222-242): EEAYDLGRRA[Ile232Leu]AYATHRDSYS

ClinVar aggregate classification (germline): Uncertain significance (1 of 4 stars; one submission).

Conditions:
Proteosome-associated autoinflammatory syndrome. Also called: Proteasome-associated autoinflammatory syndrome. Identifiers: Orphanet 324977, MedGen C1850568, MONDO:0009726.

Submission:

Labcorp Genetics (formerly Invitae), Labcorp
Classification: Uncertain significance for Proteosome-associated autoinflammatory syndrome. Last evaluated: 2021-12-28. Review status: criteria provided, single submitter. Criteria: Invitae Variant Classification Sherloc (09022015). Collection method: clinical testing. Allele origin: germline.
Comment: In summary, the available evidence is currently insufficient to determine the role of this variant in disease. Therefore, it has been classified as a Variant of Uncertain Significance. Algorithms developed to predict the effect of missense changes on protein structure and function are either unavailable or do not agree on the potential impact of this missense change (SIFT: "Deleterious"; PolyPhen-2: "Probably Damaging"; Align-GVGD: "Class C0"). This variant has not been reported in the literature in individuals affected with PSMB8-related conditions. This variant is not present in population databases (gnomAD no frequency). This sequence change replaces isoleucine, which is neutral and non-polar, with leucine, which is neutral and non-polar, at codon 232 of the PSMB8 protein (p.Ile232Leu).